The following is an entry in ClinVar:

ClinVar aggregate classification (germline): Benign (1 of 4 stars; one submission).

Conditions:
PTPRQ-related disorder. Also called: PTPRQ-related condition.

Submission:

PreventionGenetics, part of Exact Sciences
Classification: Benign for PTPRQ-related condition. Last evaluated: 2020-06-15. Review status: criteria provided, single submitter. Criteria: ACMG Guidelines, 2015. Collection method: clinical testing. Allele origin: germline.
Comment: This variant is classified as benign based on ACMG/AMP sequence variant interpretation guidelines (Richards et al. 2015 PMID: 25741868, with internal and published modifications).

NM_001145026.2(PTPRQ):c.713G>A (p.Gly238Asp)

Gene: PTPRQ (protein tyrosine phosphatase receptor type Q; plus strand). Cytogenetic location: 12q21.31.
Variant type: single nucleotide variant.
Coding change: c.713G>A on transcript NM_001145026.2 (MANE Select); coding-DNA position 713, G replaced by A.
Protein change: p.Gly238Asp; replaces glycine 238 with aspartic acid.
Molecular consequence: missense variant.
Genome position (GRCh38, 1-based): chr12:80,460,705, G>A. VCF-style: chr12-80460705-G-A. GRCh37 (hg19) VCF-style: chr12-80849472-C-T.
Other names: short protein forms G238D.
Identifiers: ClinVar variation 3056886 (VCV003056886.1), dbSNP rs1454830845, ClinGen allele CA385876059.
Genomic context (GRCh38, chr12:80,460,705, plus strand): 5'-TTTACTAGGAGAATAGTGAATCTTTTTTATGGAGTACAGCCAGCCCTTCTCCAACCCTTG[G>A]TAGAGTTACACCTCCATCGCGTACCACACATTCATCAAGCACGTTGACACAGAATGAGAT-3'
Protein context (NP_001138498.1, residues 228-248): WSTASPSPTL[Gly238Asp]RVTPPSRTTH